The following continues an entry in ClinVar:

NM_000179.3(MSH6):c.2927G>A (p.Arg976His)

Gene: MSH6. ClinVar aggregate classification (germline): Conflicting classifications of pathogenicity. Pathogenic (1); Likely pathogenic (6); Uncertain significance (4).

Submissions 6 to 11 of 11:

KCCC/NGS Laboratory, Kuwait Cancer Control Center
Classification: Likely pathogenic for Lynch syndrome 5. Last evaluated: 2024-09-09. Review status: criteria provided, single submitter. Criteria: ACMG Guidelines, 2015. Collection method: clinical testing. Allele origin: germline. Inheritance: Autosomal dominant inheritance. Affected: yes. Observed: 1 heterozygote.
Comment: This sequence change replaces arginine, which is basic and polar, with histidine, which is basic and polar, at codon 976 of the MSH6 protein (p.Arg976His). This variant is not present in population databases (gnomAD no frequency). This missense change has been observed in individuals with autosomal dominant Lynch syndrome, autosomal recessive constitutional mismatch repair deficiency syndrome, and/or clinical features of Lynch syndrome (PMID: 11807791, 28514183, 30702970, 31391288). ClinVar contains an entry for this variant (Variation ID: 89322) classified as likely pathogenic . In silico analysis supports that this missense variant has a deleterious effect on protein structure/function; Published functional studies suggest a damaging effect. Published functional studies suggest a damaging effect: moderate impact on mismatch binding and repair activity, reduced ATP and ADP binding ability (PMID: 18790734, 22102614). This variant disrupts the p.Arg976 amino acid residue in MSH6. Other variant(s) that disrupt this residue have been observed in individuals with MSH6-related conditions (PMID: 29755653, 30702970), which suggests that this may be a clinically significant amino acid residue. In summary, the currently available evidence indicates that the variant is pathogenic, but additional data are needed to prove that conclusively. Therefore, this variant has been classified as Likely Pathogenic. pathogenic/likely pathogenic variants in the MSH6 gene cause hereditary nonpolyposis colorectal cancer syndrome (OMIM 614350)

Hereditary Cancer Laboratory, Hospital Universitario 12 de Octubre
Classification: Likely pathogenic for Hereditary cancer-predisposing syndrome. Last evaluated: 2024-08-18. Review status: criteria provided, single submitter. Criteria: ACMG Guidelines, 2015. Collection method: clinical testing. Allele origin: germline.
Comment: PM2+PP3+PS3

GeneDx
Classification: Likely pathogenic. Last evaluated: 2023-08-24. Review status: criteria provided, single submitter. Criteria: GeneDx Variant Classification Process June 2021. Collection method: clinical testing. Allele origin: germline. Affected: yes.
Comment: Not observed at significant frequency in large population cohorts (gnomAD); In silico analysis supports that this missense variant has a deleterious effect on protein structure/function; Published functional studies suggest a damaging effect: moderate impact on mismatch binding and repair activity, reduced ATP and ADP binding ability (Cyr et al., 2008; Drost et al., 2012); This variant is associated with the following publications: (PMID: 22102614, 31552911, 11807791, 23621914, 30702970, 34445333, 18790734, 24362816, 21120944, 17531815, 26333163, 31391288, 28514183)

Baylor Genetics
Classification: Likely pathogenic for Endometrial carcinoma. Last evaluated: 2022-08-30. Review status: criteria provided, single submitter. Criteria: ACMG Guidelines, 2015. Collection method: clinical testing. Allele origin: unknown.

Quest Diagnostics Nichols Institute San Juan Capistrano
Classification: Uncertain significance. Last evaluated: 2017-03-31. Review status: criteria provided, single submitter. Criteria: Quest Diagnostics criteria. Collection method: clinical testing. Allele origin: germline.

Laboratory for Molecular Medicine, Mass General Brigham Personalized Medicine
Classification: Uncertain significance. Last evaluated: 2016-03-28. Review status: criteria provided, single submitter. Criteria: LMM Criteria. Collection method: clinical testing. Allele origin: germline.
Comment: Variant identified in a genome or exome case(s) and assessed due to predicted null impact of the variant or pathogenic assertions in the literature or databases. Disclaimer: This variant has not undergone full assessment. The following are preliminary notes: ClinVar: VUS by expert panel; No new info since expert classification

Literature cited by the submitters: PubMed 11807791 (cited by 4 submitters); PubMed 18790734 (cited by 4 submitters); PubMed 22102614 (cited by 4 submitters); PubMed 30702970 (cited by Color Diagnostics, LLC DBA Color Health and Labcorp Genetics (formerly Invitae), Labcorp); PubMed 28514183 (cited by Labcorp Genetics (formerly Invitae), Labcorp); PubMed 31391288 (cited by Labcorp Genetics (formerly Invitae), Labcorp); PubMed 29755653 (cited by Labcorp Genetics (formerly Invitae), Labcorp); PubMed 24362816 (cited by Ambry Genetics); PubMed 26333163 (cited by Ambry Genetics); PubMed 23621914 (cited by Quest Diagnostics Nichols Institute San Juan Capistrano).